The following is an entry in ClinVar:

NM_001167.4(XIAP):c.478A>G (p.Met160Val)

Gene: XIAP (X-linked inhibitor of apoptosis; plus strand). Cytogenetic location: Xq25.
Variant type: single nucleotide variant.
Coding change: c.478A>G on transcript NM_001167.4 (MANE Select); coding-DNA position 478, A replaced by G.
Protein change: p.Met160Val; replaces methionine 160 with valine.
Molecular consequence: missense variant.
Genome position (GRCh38, 1-based): chrX:123,886,140, A>G. VCF-style: chrX-123886140-A-G. GRCh37 (hg19) VCF-style: chrX-123019990-A-G.
Other names: c.478A>G, p.Met160Val (NM_001204401.2, NM_001378590.1, NM_001378591.1 and 1 more transcripts); short protein forms M160V.
Identifiers: ClinVar variation 1721417 (VCV001721417.6), dbSNP rs2522585452, ClinGen allele CA414123749.

ClinVar aggregate classification (germline): Uncertain significance. Review status: criteria provided, multiple submitters, no conflicts (2 of 4 stars). 2 submissions from 2 submitters: Uncertain significance (2). Last evaluated 2024-02-05.

Conditions:
X-linked lymphoproliferative disease due to XIAP deficiency. Also called: XIAP-Related Lymphoproliferative Disease, X-Linked; XIAP DEFICIENCY. Identifiers: Orphanet 2442, Orphanet 538934, MedGen C1845076, MONDO:0010385, OMIM 300635.

Submissions (2):

Pittsburgh Clinical Genomics Laboratory, University of Pittsburgh Medical Center
Classification: Uncertain significance for X-linked lymphoproliferative disease due to XIAP deficiency. Last evaluated: 2024-02-05. Review status: criteria provided, single submitter. Criteria: ACMG Guidelines, 2015. Collection method: clinical testing. Allele origin: germline. Inheritance: X-linked recessive inheritance. Affected: yes.
Comment: This sequence variant is a single nucleotide substitution (A>G) at position 478 of the coding sequence of the XIAP gene that results in a methionine to valine amino acid change at residue 160 of the X-linked inhibitor of apoptosis protein. This residue falls in the Baculoviral inhibition of apoptosis protein repeat 2 (UniProt) which plays a critical role in protein function. This is a previously reported variant (ClinVar 1721417) that has not been observed in the literature in individuals affected by XIAP-related disease, to our knowledge. This variant is absent from the gnomAD v4.0.0 population database (0/~1209000 alleles). Multiple bioinformatic tools predict that this amino acid change would be damaging, and the Met160 residue at this position is highly conserved across the vertebrate species examined. Studies examining the functional consequence of this variant have not been published, to our knowledge. At this time, there is insufficient evidence to determine if this variant is pathogenic or benign. Therefore, we consider this a variant of uncertain significance. ACMG Criteria: PM2, PP3, PP4

Labcorp Genetics (formerly Invitae), Labcorp
Classification: Uncertain significance for X-linked lymphoproliferative disease due to XIAP deficiency. Last evaluated: 2023-03-02. Review status: criteria provided, single submitter. Criteria: Invitae Variant Classification Sherloc (09022015). Collection method: clinical testing. Allele origin: germline.
Comment: Advanced modeling of protein sequence and biophysical properties (such as structural, functional, and spatial information, amino acid conservation, physicochemical variation, residue mobility, and thermodynamic stability) performed at Invitae indicates that this missense variant is expected to disrupt XIAP protein function. In summary, the available evidence is currently insufficient to determine the role of this variant in disease. Therefore, it has been classified as a Variant of Uncertain Significance. ClinVar contains an entry for this variant (Variation ID: 1721417). This sequence change replaces methionine, which is neutral and non-polar, with valine, which is neutral and non-polar, at codon 160 of the XIAP protein (p.Met160Val). This variant is not present in population databases (gnomAD no frequency). This variant has not been reported in the literature in individuals affected with XIAP-related conditions.